The following is an entry in ClinVar:

ClinVar aggregate classification (germline): Uncertain significance (1 of 4 stars; one submission).

Conditions:
Short-rib thoracic dysplasia 10 with or without polydactyly (SRTD10). Identifiers: Orphanet 474, MedGen C3810175, MONDO:0014284, OMIM 615630.
Retinitis pigmentosa 71 (RP71). Identifiers: Orphanet 791, MedGen C4225342, MONDO:0014618, OMIM 616394.

Allele frequency attached by ClinVar (database versions not stated): TOPMed 0.00001.
gnomAD v4.1: 5 of 1,613,860 alleles (0.00031%); highest among the groups gnomAD compares: East Asian, 0.0045%; no homozygotes.

Submission:

Labcorp Genetics (formerly Invitae), Labcorp
Classification: Uncertain significance for Retinitis pigmentosa 71; Short-rib thoracic dysplasia 10 with or without polydactyly. Last evaluated: 2022-07-19. Review status: criteria provided, single submitter. Criteria: Invitae Variant Classification Sherloc (09022015). Collection method: clinical testing. Allele origin: germline.
Comment: This sequence change replaces cysteine, which is neutral and slightly polar, with tyrosine, which is neutral and polar, at codon 1496 of the IFT172 protein (p.Cys1496Tyr). This variant is present in population databases (no rsID available, gnomAD 0.006%). This variant has not been reported in the literature in individuals affected with IFT172-related conditions. ClinVar contains an entry for this variant (Variation ID: 970381). Algorithms developed to predict the effect of missense changes on protein structure and function (SIFT, PolyPhen-2, Align-GVGD) all suggest that this variant is likely to be tolerated. In summary, the available evidence is currently insufficient to determine the role of this variant in disease. Therefore, it has been classified as a Variant of Uncertain Significance.

NM_015662.3(IFT172):c.4487G>A (p.Cys1496Tyr)

Gene: IFT172 (intraflagellar transport 172; minus strand). Cytogenetic location: 2p23.3.
Variant type: single nucleotide variant.
Coding change: c.4487G>A on transcript NM_015662.3 (MANE Select); coding-DNA position 4487, G replaced by A.
Protein change: p.Cys1496Tyr; replaces cysteine 1496 with tyrosine.
Molecular consequence: missense variant.
Genome position (GRCh38, 1-based): chr2:27,447,864, C>T on the plus strand (G>A on the coding strand, the complement: IFT172 is on the minus strand). VCF-style: chr2-27447864-C-T. GRCh37 (hg19) VCF-style: chr2-27670731-C-T.
Other names: short protein forms C1496Y.
Identifiers: ClinVar variation 970381 (VCV000970381.7), dbSNP rs149435148, ClinGen allele CA346417526.